The following is an entry in ClinVar:

ClinVar aggregate classification (germline): Likely benign. Review status: criteria provided, multiple submitters, no conflicts (2 of 4 stars). 2 submissions from 2 submitters: Likely benign (2). Last evaluated 2025-06-11.

Conditions:
Familial cancer of breast. Also called: Hereditary breast cancer; hereditary breast carcinoma; BREAST CANCER, FAMILIAL. Identifiers: Orphanet 227535, MedGen C0346153, MONDO:0016419, OMIM 114480. Disease mechanism: loss of function.
Ataxia-telangiectasia syndrome (AT). Also called: Ataxia telangiectasia (A-T); ATAXIA-TELANGIECTASIA, COMPLEMENTATION GROUP A; ATAXIA-TELANGIECTASIA, FRESNO VARIANT; Ataxia-telangiectasia; Ataxia-telangiectasia, complementation group E; Cerebello-oculocutaneous telangiectasia. Identifiers: Orphanet 100, MedGen C0004135, MONDO:0008840, OMIM 208900.

Allele frequency attached by ClinVar (database versions not stated): TOPMed below 0.00001.

Submissions (2):

Labcorp Genetics (formerly Invitae), Labcorp
Classification: Likely benign for Ataxia-telangiectasia syndrome. Last evaluated: 2025-06-11. Review status: criteria provided, single submitter. Criteria: Invitae Variant Classification Sherloc (09022015). Collection method: clinical testing. Allele origin: germline.

Myriad Genetics, Inc.
Classification: Likely benign for Familial cancer of breast. Last evaluated: 2024-05-08. Review status: criteria provided, single submitter. Criteria: Myriad Autosomal Dominant, Autosomal Recessive and X-Linked Classification Criteria (2023). Collection method: clinical testing. Allele origin: unknown.
Comment: This variant is considered likely benign. This variant is intronic and is not expected to impact mRNA splicing.

NM_000051.4(ATM):c.2377-20_2377-18del

Gene: ATM (ATM serine/threonine kinase; plus strand). Cytogenetic location: 11q22.3.
Variant type: Deletion.
Coding change: c.2377-20_2377-18del on transcript NM_000051.4 (MANE Select); 20 bases into the intron before coding-DNA position 2377 through 18 bases into the intron before coding-DNA position 2377, 3 bases deleted (TTT; older notation c.2377-20_2377-18delTTT).
Molecular consequence: intron variant.
Genome position (GRCh38, 1-based): chr11:108,258,966-108,258,968, TTT deleted. VCF-style (leftmost placement, unchanged base first): chr11-108258965-CTTT-C. GRCh37 (hg19) VCF-style: chr11-108129692-CTTT-C.
Other names: c.2377-20_2377-18del (NM_001351834.2).
Identifiers: ClinVar variation 1554665 (VCV001554665.9), dbSNP rs2080689774, ClinGen allele CA1998777242.
Genomic context (GRCh38, chr11:108,258,965, plus strand): 5'-CAAGATAGAGAAAACACTGTCTGCCAAGAATAATTGTTTTTATTTCTTTGTTGCTTGGTT[CTTT>C]GTTTGTCTTAATTGCAGAAGAGTCCAAATAAGATTGCATCTGGCTTTTTCCTGCGATTGT-3'